The following is an entry in ClinVar:

ClinVar aggregate classification (germline): Uncertain significance (1 of 4 stars; one submission).

Allele frequency attached by ClinVar (database versions not stated): ExAC 0.00001; gnomAD exomes 0.00001; TOPMed 0.00002; gnomAD 0.00003.
gnomAD v4.1: 15 of 1,588,762 alleles (0.00094%); highest among the groups gnomAD compares: Non-Finnish European, 0.0012%; no homozygotes.

Submission:

Labcorp Genetics (formerly Invitae), Labcorp
Classification: Uncertain significance. Last evaluated: 2022-03-03. Review status: criteria provided, single submitter. Criteria: Invitae Variant Classification Sherloc (09022015). Collection method: clinical testing. Allele origin: germline.
Comment: This sequence change replaces aspartic acid, which is acidic and polar, with asparagine, which is neutral and polar, at codon 765 of the EIF2AK4 protein (p.Asp765Asn). This variant is present in population databases (rs763719225, gnomAD 0.003%). In summary, the available evidence is currently insufficient to determine the role of this variant in disease. Therefore, it has been classified as a Variant of Uncertain Significance. Advanced modeling of protein sequence and biophysical properties (such as structural, functional, and spatial information, amino acid conservation, physicochemical variation, residue mobility, and thermodynamic stability) performed at Invitae indicates that this missense variant is not expected to disrupt EIF2AK4 protein function. This variant has not been reported in the literature in individuals affected with EIF2AK4-related conditions.

NM_001013703.4(EIF2AK4):c.2293G>A (p.Asp765Asn)

Gene: EIF2AK4 (eukaryotic translation initiation factor 2 alpha kinase 4; plus strand). Cytogenetic location: 15q15.1.
Variant type: single nucleotide variant.
Coding change: c.2293G>A on transcript NM_001013703.4 (MANE Select); coding-DNA position 2293, G replaced by A.
Protein change: p.Asp765Asn; replaces aspartic acid 765 with asparagine.
Molecular consequence: missense variant.
Genome position (GRCh38, 1-based): chr15:39,978,121, G>A. VCF-style: chr15-39978121-G-A. GRCh37 (hg19) VCF-style: chr15-40270322-G-A.
Other names: short protein forms D765N.
Identifiers: ClinVar variation 1927208 (VCV001927208.5), dbSNP rs763719225, ClinGen allele CA7473987.